The following is an entry in ClinVar:

ClinVar aggregate classification (germline): Uncertain significance (1 of 4 stars; one submission).

Conditions:
POLD1-related polyposis and colorectal cancer syndrome (CRCS10). Also called: Colorectal cancer 10; COLORECTAL CANCER, SUSCEPTIBILITY TO, ON CHROMOSOME 19q; Colorectal cancer, susceptibility to, 10. Identifiers: Orphanet 220460, MedGen C2675481, MONDO:0012953, OMIM 612591.

gnomAD v4.1: 1 of 1,613,522 alleles (0.000062%); highest among the groups gnomAD compares: South Asian, 0.0011%; no homozygotes.

Submission:

Labcorp Genetics (formerly Invitae), Labcorp
Classification: Uncertain significance for POLD1-related polyposis and colorectal cancer syndrome. Last evaluated: 2024-02-14. Review status: criteria provided, single submitter. Criteria: Invitae Variant Classification Sherloc (09022015). Collection method: clinical testing. Allele origin: germline.
Comment: This sequence change creates a premature translational stop signal (p.Gln684*) in the POLD1 gene. Missense variants that disrupt the 3'-5' exonuclease (proof-reading) activity of the POLD1 protein are associated with PPAP (polymerase proofreading–associated polyposis) (PMID: 23263490, 23447401). However, loss-of-function variants that result in an absent or severely disrupted POLD1 protein, and missense variants outside the exonuclease domain, are unlikely to be associated with PPAP. This variant is not present in population databases (gnomAD no frequency). This variant has not been reported in the literature in individuals affected with POLD1-related conditions. In summary, the available evidence is currently insufficient to determine the role of this variant in disease. Therefore, it has been classified as a Variant of Uncertain Significance.

Literature cited by the submitters: PubMed 23263490; PubMed 23447401.

NM_002691.4(POLD1):c.2050C>T (p.Gln684Ter)

Gene: POLD1 (DNA polymerase delta 1, catalytic subunit; plus strand). Cytogenetic location: 19q13.33.
Variant type: single nucleotide variant.
Coding change: c.2050C>T on transcript NM_002691.4 (MANE Select); coding-DNA position 2050, C replaced by T.
Protein change: p.Gln684Ter; replaces glutamine 684 with a stop codon.
Molecular consequence: nonsense. On other transcripts: non-coding transcript variant (1).
Genome position (GRCh38, 1-based): chr19:50,409,562, C>T. VCF-style: chr19-50409562-C-T. GRCh37 (hg19) VCF-style: chr19-50912819-C-T.
Other names: c.2050C>T, p.Gln684Ter (NM_001256849.1); c.2128C>T, p.Gln710Ter (NM_001308632.1); short protein forms Q710*, Q684*.
Identifiers: ClinVar variation 3640653 (VCV003640653.2).